The following is an entry in ClinVar:

NM_017780.4(CHD7):c.5087A>G (p.Lys1696Arg)

Gene: CHD7 (chromodomain helicase DNA binding protein 7; plus strand). Cytogenetic location: 8q12.2.
Variant type: single nucleotide variant.
Coding change: c.5087A>G on transcript NM_017780.4 (MANE Select); coding-DNA position 5087, A replaced by G.
Protein change: p.Lys1696Arg; replaces lysine 1696 with arginine.
Molecular consequence: missense variant. On other transcripts: intron variant (1).
Genome position (GRCh38, 1-based): chr8:60,845,286, A>G. VCF-style: chr8-60845286-A-G. GRCh37 (hg19) VCF-style: chr8-61757845-A-G.
Other names: c.1717-16943A>G (NM_001316690.1); c.5087A>G (NM_017780.3); short protein forms K1696R.
Identifiers: ClinVar variation 2439995 (VCV002439995.9), dbSNP rs755896254, ClinGen allele CA4760258.

ClinVar aggregate classification (germline): Conflicting classifications of pathogenicity. Review status: criteria provided, conflicting classifications (1 of 4 stars). 4 submissions from 4 submitters: Uncertain significance (2); Likely benign (1). 1 of the submissions does not count toward it. Last evaluated 2024-11-13.

Conditions:
CHD7-related disorder. Also called: CHD7-related condition.
CHARGE syndrome (CHARGE). Also called: Hittner Hirsch Kreh syndrome; CHARGE ASSOCIATION--COLOBOMA, HEART ANOMALY, CHOANAL ATRESIA, RETARDATION, GENITAL AND EAR ANOMALIES; Coloboma, heart anomaly, choanal atresia, retardation, genital and ear anomalies; CHARGE association; Hall-Hittner syndrome. Identifiers: Orphanet 138, MedGen C0265354, MONDO:0008965.

Allele frequency attached by ClinVar (database versions not stated): gnomAD exomes below 0.00001; TOPMed below 0.00001; ExAC 0.00001; gnomAD 0.00001.
gnomAD v4.1: 8 of 1,613,482 alleles (0.0005%); highest among the groups gnomAD compares: Middle Eastern, 0.016%; no homozygotes.

Submissions (4):

Blueprint Genetics
Classification: Uncertain significance. Last evaluated: 2024-11-13. Review status: criteria provided, single submitter. Criteria: ACMG Guidelines, 2015. Collection method: clinical testing. Allele origin: germline.

Labcorp Genetics (formerly Invitae), Labcorp
Classification: Likely benign for CHARGE syndrome. Last evaluated: 2023-11-03. Review status: criteria provided, single submitter. Criteria: Invitae Variant Classification Sherloc (09022015). Collection method: clinical testing. Allele origin: germline.

Revvity Omics, Revvity
Classification: Uncertain significance. Last evaluated: 2021-01-12. Review status: criteria provided, single submitter. Criteria: ACMG Guidelines, 2015. Collection method: clinical testing. Allele origin: germline.

PreventionGenetics, part of Exact Sciences
Classification: Uncertain significance for CHD7-related condition. Last evaluated: 2024-01-26. Review status: no assertion criteria provided. Collection method: clinical testing. Allele origin: germline. Not counted in ClinVar's aggregate classification.
Comment: The CHD7 c.5087A>G variant is predicted to result in the amino acid substitution p.Lys1696Arg. To our knowledge, this variant has not been reported in the literature. This variant is reported in 0.0056% of alleles in individuals of East Asian descent in gnomAD. At this time, the clinical significance of this variant is uncertain due to the absence of conclusive functional and genetic evidence.